The following is an entry in ClinVar:

NM_001312673.2(PCYT1A):c.1099G>A (p.Asp367Asn)

Gene: PCYT1A (phosphate cytidylyltransferase 1A, choline; minus strand). Cytogenetic location: 3q29.
Variant type: single nucleotide variant.
Coding change: c.1099G>A on transcript NM_001312673.2 (MANE Select); coding-DNA position 1099, G replaced by A.
Protein change: p.Asp367Asn; replaces aspartic acid 367 with asparagine.
Molecular consequence: missense variant.
Genome position (GRCh38, 1-based): chr3:196,238,693, C>T on the plus strand (G>A on the coding strand, the complement: PCYT1A is on the minus strand). VCF-style: chr3-196238693-C-T. GRCh37 (hg19) VCF-style: chr3-195965564-C-T.
Other names: c.1099G>A, p.Asp367Asn (NM_005017.4); short protein forms D367N.
Identifiers: ClinVar variation 1476964 (VCV001476964.8), dbSNP rs2108760683, ClinGen allele CA355607616.

ClinVar aggregate classification (germline): Uncertain significance (1 of 4 stars; one submission).

Submission:

Labcorp Genetics (formerly Invitae), Labcorp
Classification: Uncertain significance. Last evaluated: 2021-01-13. Review status: criteria provided, single submitter. Criteria: Invitae Variant Classification Sherloc (09022015). Collection method: clinical testing. Allele origin: germline.
Comment: This sequence change replaces aspartic acid with asparagine at codon 367 of the PCYT1A protein (p.Asp367Asn). The aspartic acid residue is moderately conserved and there is a small physicochemical difference between aspartic acid and asparagine. This variant is not present in population databases (ExAC no frequency). This variant has not been reported in the literature in individuals with PCYT1A-related conditions. Advanced modeling of protein sequence and biophysical properties (such as structural, functional, and spatial information, amino acid conservation, physicochemical variation, residue mobility, and thermodynamic stability) performed at Invitae indicates that this missense variant is not expected to disrupt PCYT1A protein function. In summary, the available evidence is currently insufficient to determine the role of this variant in disease. Therefore, it has been classified as a Variant of Uncertain Significance.